The following is an entry in ClinVar:

ClinVar aggregate classification (germline): Uncertain significance. Review status: criteria provided, multiple submitters, no conflicts (2 of 4 stars). 2 submissions from 2 submitters: Uncertain significance (2). Last evaluated 2022-12-09.

Submissions (2):

Revvity Omics, Revvity
Classification: Uncertain significance. Last evaluated: 2022-12-09. Review status: criteria provided, single submitter. Criteria: ACMG Guidelines, 2015. Collection method: clinical testing. Allele origin: germline.

GeneDx
Classification: Uncertain significance. Last evaluated: 2022-02-11. Review status: criteria provided, single submitter. Criteria: GeneDx Variant Classification Process June 2021. Collection method: clinical testing. Allele origin: germline. Affected: yes.
Comment: Not observed at significant frequency in large population cohorts (gnomAD); In silico analysis supports that this missense variant has a deleterious effect on protein structure/function; Has not been previously published as pathogenic or benign to our knowledge

NM_002860.4(ALDH18A1):c.631C>T (p.Leu211Phe)

Gene: ALDH18A1 (aldehyde dehydrogenase 18 family member A1; minus strand). Cytogenetic location: 10q24.1.
Variant type: single nucleotide variant.
Coding change: c.631C>T on transcript NM_002860.4 (MANE Select); coding-DNA position 631, C replaced by T.
Protein change: p.Leu211Phe; replaces leucine 211 with phenylalanine.
Molecular consequence: missense variant. On other transcripts: 5 prime UTR variant (1).
Genome position (GRCh38, 1-based): chr10:95,633,577, G>A on the plus strand (C>T on the coding strand, the complement: ALDH18A1 is on the minus strand). VCF-style: chr10-95633577-G-A. GRCh37 (hg19) VCF-style: chr10-97393334-G-A.
Other names: c.631C>T, p.Leu211Phe (NM_001017423.2, NM_001323413.2, NM_001323414.2 and 1 more transcripts); c.298C>T, p.Leu100Phe (NM_001323412.2, NM_001323416.2, NM_001323418.2); c.526C>T, p.Leu176Phe (NM_001323417.2); c.-6C>T (NM_001323419.2); short protein forms L100F, L176F, L211F.
Identifiers: ClinVar variation 1678790 (VCV001678790.4), dbSNP rs2139609938, ClinGen allele CA377705318.
Genomic context (GRCh38, chr10:95,633,577, plus strand): 5'-GCTCAGCTGGGGGGACAACAGCATCATTTGTGTTGACAATGGGGACAATGTTCATTCTAA[G>A]GAGTTCATGAAGTGTTCCATTGAGGTTCCGGCGCTTCTGCTCATCATGGAAATCCAAATT-3'
Protein context (NP_002851.2, residues 201-221): RNLNGTLHEL[Leu211Phe]RMNIVPIVNT